The following is an entry in ClinVar:

NM_000271.5(NPC1):c.2661G>A (p.Pro887=)

Gene: NPC1 (NPC intracellular cholesterol transporter 1; minus strand). Cytogenetic location: 18q11.2.
Variant type: single nucleotide variant.
Coding change: c.2661G>A on transcript NM_000271.5 (MANE Select); coding-DNA position 2661, G replaced by A.
Protein change: p.Pro887=; no amino-acid change (proline 887 retained).
Molecular consequence: synonymous variant.
Genome position (GRCh38, 1-based): chr18:23,539,945, C>T on the plus strand (G>A on the coding strand, the complement: NPC1 is on the minus strand). VCF-style: chr18-23539945-C-T. GRCh37 (hg19) VCF-style: chr18-21119909-C-T.
Other names: p.Pro887=.
Identifiers: ClinVar variation 326259 (VCV000326259.26), dbSNP rs9949660, ClinGen allele CA8913006.

ClinVar aggregate classification (germline): Benign/Likely benign. Review status: criteria provided, multiple submitters, no conflicts (2 of 4 stars). 8 submissions from 8 submitters: Benign (4); Likely benign (3). 1 of the submissions does not count toward it. Last evaluated 2026-02-03.

Conditions:
Inborn genetic diseases. Identifiers: MedGen C0950123, MeSH D030342.
Niemann-Pick disease, type C1. Also called: NIEMANN-PICK DISEASE, VARIANT TYPE C1; NEUROVISCERAL STORAGE DISEASE WITH VERTICAL SUPRANUCLEAR OPHTHALMOPLEGIA; NIEMANN-PICK DISEASE WITH CHOLESTEROL ESTERIFICATION BLOCK; NIEMANN-PICK DISEASE WITHOUT SPHINGOMYELINASE DEFICIENCY; NIEMANN-PICK DISEASE, CHRONIC NEURONOPATHIC FORM. Identifiers: Orphanet 646, MedGen C3179455, MONDO:0009757, OMIM 257220.

Allele frequency attached by ClinVar (database versions not stated): ExAC 0.00183; 1000 Genomes Project 0.00479; gnomAD 0.00656 and 0.00711; TOPMed 0.00704; ESP Exome Variant Server 0.00507; 1000 Genomes Project 30x 0.00515.
gnomAD v4.1: 1,896 of 1,614,116 alleles (0.12%); highest among the groups gnomAD compares: African/African-American, 2.3%; 19 homozygotes.

Submissions (8):

Labcorp Genetics (formerly Invitae), Labcorp
Classification: Benign for Niemann-Pick disease, type C1. Last evaluated: 2026-02-03. Review status: criteria provided, single submitter. Criteria: Invitae Variant Classification Sherloc (09022015). Collection method: clinical testing. Allele origin: germline.

Ambry Genetics
Classification: Likely benign for Inborn genetic diseases. Last evaluated: 2022-02-17. Review status: criteria provided, single submitter. Criteria: Ambry Variant Classification Scheme 2023. Collection method: clinical testing. Allele origin: germline.

Genome-Nilou Lab
Classification: Likely benign for Niemann-Pick disease, type C1. Last evaluated: 2021-05-18. Review status: criteria provided, single submitter. Criteria: ACMG Guidelines, 2015. Collection method: clinical testing. Allele origin: germline. Affected: no.

Mayo Clinic Laboratories, Mayo Clinic
Classification: Benign. Last evaluated: 2021-04-26. Review status: criteria provided, single submitter. Criteria: ACMG Guidelines, 2015. Collection method: clinical testing. Allele origin: germline. Observed: 6 variant alleles.

GeneDx
Classification: Benign. Last evaluated: 2018-07-31. Review status: criteria provided, single submitter. Criteria: GeneDx Variant Classification Process June 2021. Collection method: clinical testing. Allele origin: germline. Affected: yes.
Comment: This variant is associated with the following publications: (PMID: 16126423)

Illumina Laboratory Services, Illumina
Classification: Benign for Niemann-Pick disease type C1. Last evaluated: 2018-01-12. Review status: criteria provided, single submitter. Criteria: ICSL Variant Classification Criteria 13 December 2019. Collection method: clinical testing. Allele origin: germline.
Comment: This variant was observed in the ICSL laboratory as part of a predisposition screen in an ostensibly healthy population. It had not been previously curated by ICSL or reported in the Human Gene Mutation Database (HGMD: prior to June 1st, 2018), and was therefore a candidate for classification through an automated scoring system. Utilizing variant allele frequency, disease prevalence and penetrance estimates, and inheritance mode, an automated score was calculated to assess if this variant is too frequent to cause the disease. Based on the score and internal cut-off values, a variant classified as benign is not then subjected to further curation. The score for this variant resulted in a classification of benign for this disease.

Breakthrough Genomics
Classification: Likely benign. Review status: criteria provided, single submitter. Criteria: ACMG Guidelines, 2015. Collection method: not provided. Allele origin: germline. Inheritance: Autosomal recessive inheritance. Affected: yes.

Natera, Inc.
Classification: Benign for Niemann-Pick disease type C1. Last evaluated: 2020-09-16. Review status: no assertion criteria provided. Collection method: clinical testing. Allele origin: germline. Not counted in ClinVar's aggregate classification.